The following is an entry in ClinVar:

NM_000393.5(COL5A2):c.635C>T (p.Pro212Leu)

Gene: COL5A2 (collagen type V alpha 2 chain; minus strand). Cytogenetic location: 2q32.2.
Variant type: single nucleotide variant.
Coding change: c.635C>T on transcript NM_000393.5 (MANE Select); coding-DNA position 635, C replaced by T.
Protein change: p.Pro212Leu; replaces proline 212 with leucine.
Molecular consequence: missense variant.
Genome position (GRCh38, 1-based): chr2:189,088,705, G>A on the plus strand (C>T on the coding strand, the complement: COL5A2 is on the minus strand). VCF-style: chr2-189088705-G-A. GRCh37 (hg19) VCF-style: chr2-189953431-G-A.
Other names: short protein forms P212L.
Identifiers: ClinVar variation 972124 (VCV000972124.7), dbSNP rs1686718032, ClinGen allele CA349859703.

ClinVar aggregate classification (germline): Uncertain significance (1 of 4 stars; one submission).

Conditions:
Ehlers-Danlos syndrome, classic type, 1 (EDSCL1). Also called: EHLERS-DANLOS SYNDROME, GRAVIS TYPE; EHLERS-DANLOS SYNDROME, SEVERE CLASSIC TYPE; EDS I; Ehlers-Danlos Syndrome, Classic Type, COL5A1-Related; Ehlers-Danlos syndrome, type 1. Identifiers: MedGen C0268335, MONDO:0019567, OMIM 130000.

Submission:

Labcorp Genetics (formerly Invitae), Labcorp
Classification: Uncertain significance for Ehlers-Danlos syndrome, classic type, 1. Last evaluated: 2021-08-30. Review status: criteria provided, single submitter. Criteria: Invitae Variant Classification Sherloc (09022015). Collection method: clinical testing. Allele origin: germline.
Comment: This sequence change replaces proline with leucine at codon 212 of the COL5A2 protein (p.Pro212Leu). The proline residue is highly conserved and there is a moderate physicochemical difference between proline and leucine. This variant is not present in population databases (ExAC no frequency). This variant has not been reported in the literature in individuals affected with COL5A2-related conditions. Algorithms developed to predict the effect of missense changes on protein structure and function (SIFT, PolyPhen-2, Align-GVGD) all suggest that this variant is likely to be disruptive. In summary, the available evidence is currently insufficient to determine the role of this variant in disease. Therefore, it has been classified as a Variant of Uncertain Significance.